The following is an entry in ClinVar:

NM_000143.4(FH):c.29G>C (p.Arg10Pro)

Gene: FH (fumarate hydratase; minus strand). Cytogenetic location: 1q43.
Variant type: single nucleotide variant.
Coding change: c.29G>C on transcript NM_000143.4 (MANE Select); coding-DNA position 29, G replaced by C.
Protein change: p.Arg10Pro; replaces arginine 10 with proline.
Molecular consequence: missense variant.
Genome position (GRCh38, 1-based): chr1:241,519,694, C>G on the plus strand (G>C on the coding strand, the complement: FH is on the minus strand). VCF-style: chr1-241519694-C-G. GRCh37 (hg19) VCF-style: chr1-241682994-C-G.
Other names: short protein forms R10P.
Identifiers: ClinVar variation 3611200 (VCV003611200.2).

ClinVar aggregate classification (germline): Uncertain significance (1 of 4 stars; one submission).

Submission:

Labcorp Genetics (formerly Invitae), Labcorp
Classification: Uncertain significance. Last evaluated: 2024-07-15. Review status: criteria provided, single submitter. Criteria: Invitae Variant Classification Sherloc (09022015). Collection method: clinical testing. Allele origin: germline.
Comment: This sequence change replaces arginine, which is basic and polar, with proline, which is neutral and non-polar, at codon 10 of the FH protein (p.Arg10Pro). This variant is not present in population databases (gnomAD no frequency). This variant has not been reported in the literature in individuals affected with FH-related conditions. Advanced modeling of protein sequence and biophysical properties (such as structural, functional, and spatial information, amino acid conservation, physicochemical variation, residue mobility, and thermodynamic stability) has been performed at Invitae for this missense variant, however the output from this modeling did not meet the statistical confidence thresholds required to predict the impact of this variant on FH protein function. In summary, the available evidence is currently insufficient to determine the role of this variant in disease. Therefore, it has been classified as a Variant of Uncertain Significance.